The following is an entry in ClinVar:

ClinVar aggregate classification (germline): Likely benign (0 of 4 stars; one submission).

Conditions:
NCOA1-related disorder. Also called: NCOA1-related condition.

gnomAD v4.1: 22 of 1,591,076 alleles (0.0014%); highest among the groups gnomAD compares: Non-Finnish European, 0.0017%; no homozygotes.

Submission:

PreventionGenetics, part of Exact Sciences
Classification: Likely benign for NCOA1-related condition. Last evaluated: 2021-05-03. Review status: no assertion criteria provided. Collection method: clinical testing. Allele origin: germline.
Comment: This variant is classified as likely benign based on ACMG/AMP sequence variant interpretation guidelines (Richards et al. 2015 PMID: 25741868, with internal and published modifications).

NM_003743.5(NCOA1):c.222C>T (p.Val74=)

Gene: NCOA1 (nuclear receptor coactivator 1; plus strand). Cytogenetic location: 2p23.3.
Variant type: single nucleotide variant.
Coding change: c.222C>T on transcript NM_003743.5 (MANE Select); coding-DNA position 222, C replaced by T.
Protein change: p.Val74=; no amino-acid change (valine 74 retained).
Molecular consequence: synonymous variant.
Genome position (GRCh38, 1-based): chr2:24,665,881, C>T. VCF-style: chr2-24665881-C-T. GRCh37 (hg19) VCF-style: chr2-24888750-C-T.
Other names: c.222C>T, p.Val74= (NM_001362950.1, NM_001362952.1, NM_001362954.1 and 3 more transcripts).
Identifiers: ClinVar variation 3353849 (VCV003353849.1).
Genomic context (GRCh38, chr2:24,665,881, plus strand): 5'-TAGTGACATTGACAGCTTGAGTGTAAAACCAGACAAATGCAAGATTTTGAAGAAAACAGT[C>T]GATCAGATACAGCTAATGAAGAGAATGGAACAAGGTAAAAAAGAAAAAGAAAACCCATGG-3'
Protein context (NP_003734.3, residues 64-84): PDKCKILKKT[Val74=]DQIQLMKRME